The following is an entry in ClinVar:

NM_000202.8(IDS):c.217C>T (p.Leu73Phe)

Gene: IDS (iduronate 2-sulfatase; minus strand). Cytogenetic location: Xq28.
Variant type: single nucleotide variant.
Coding change: c.217C>T on transcript NM_000202.8 (MANE Select); coding-DNA position 217, C replaced by T.
Protein change: p.Leu73Phe; replaces leucine 73 with phenylalanine.
Molecular consequence: missense variant. On other transcripts: 5 prime UTR variant (1), non-coding transcript variant (1).
Genome position (GRCh38, 1-based): chrX:149,504,180, G>A on the plus strand (C>T on the coding strand, the complement: IDS is on the minus strand). VCF-style: chrX-149504180-G-A. GRCh37 (hg19) VCF-style: chrX-148585710-G-A.
Other names: c.-10C>T (NM_001166550.4); c.217C>T, p.Leu73Phe (NM_006123.5); short protein forms L73F.
Identifiers: ClinVar variation 3256099 (VCV003256099.2).
Genomic context (GRCh38, chrX:149,504,180, plus strand): 5'-GCAGCACACACCCACAGCTAGAGGTTCCCAGACATACCTGCGCAAAGGCATTCTGGAAGA[G>A]GAGGCTGTGGGATGCCAGTTGGTCAATATTTGGGGACCTCACCAGCTTATCCCCATAACA-3'
Protein context (NP_000193.1, residues 63-83): NIDQLASHSL[Leu73Phe]FQNAFAQQAV

ClinVar aggregate classification (germline): Uncertain significance (1 of 4 stars; one submission).

Conditions:
Mucopolysaccharidosis, MPS-II (MPS2). Also called: Hunter Syndrome; IDURONATE 2-SULFATASE DEFICIENCY; Mucopolysaccharidosis Type II; Mucopolysaccharidosis type 2; Attenuated MPS (subtype; formerly known as mild MPS II); Severe MPS II. Identifiers: Orphanet 580, Orphanet 79388, MedGen C0026705, MONDO:0010674, OMIM 309900.

Submission:

Laboratory of Diagnosis and Therapy of Lysosomal Disorders, University of Padova
Classification: Uncertain significance for Mucopolysaccharidosis, MPS-II. Last evaluated: 2024-06-07. Review status: criteria provided, single submitter. Criteria: ACMG Guidelines, 2015. Collection method: literature only. Allele origin: germline. Affected: yes. Observed: 1 variant allele.
Comment: Absent from controls (or at low frequency) in gnomAD database (PM2_Moderate), Missense variant in a gene with a low rate of benign missense variation (PP2_Supporting), Patient’s phenotype or family history highly specific for the disease (PP4_Moderate)

Classification method: ACMG Guidelines [PMID:25741868] with modifications

Literature cited by the submitters: PubMed 9266380.